The following is an entry in ClinVar:

ClinVar aggregate classification (germline): Uncertain significance (1 of 4 stars; one submission).

Submission:

CeGaT Center for Human Genetics Tuebingen
Classification: Uncertain significance. Last evaluated: 2025-04-01. Review status: criteria provided, single submitter. Criteria: CeGaT Center For Human Genetics Tuebingen Variant Classification Criteria Version 2. Collection method: clinical testing. Allele origin: germline. Affected: yes. Observed: 1 variant allele.
Comment: SON: PM2

NM_138927.4(SON):c.5731T>C (p.Ser1911Pro)

Gene: SON (SON DNA and RNA binding protein; plus strand). Cytogenetic location: 21q22.11.
Variant type: single nucleotide variant.
Coding change: c.5731T>C on transcript NM_138927.4 (MANE Select); coding-DNA position 5731, T replaced by C.
Protein change: p.Ser1911Pro; replaces serine 1911 with proline.
Molecular consequence: missense variant. On other transcripts: non-coding transcript variant (1), intron variant (1).
Genome position (GRCh38, 1-based): chr21:33,554,962, T>C. VCF-style: chr21-33554962-T-C. GRCh37 (hg19) VCF-style: chr21-34927268-T-C.
Other names: c.5731T>C, p.Ser1911Pro (NM_001291411.2, NM_032195.3); c.245-2194T>C (NM_001291412.3); short protein forms S1911P.
Identifiers: ClinVar variation 3898591 (VCV003898591.7).
Genomic context (GRCh38, chr21:33,554,962, plus strand): 5'-CGCAAAAGATCTCCAAAGCACAGATCCAAGTCTAGGGAAAGAAAAAGAAAAAGATCAAGC[T>C]CCAGGGATAACCGAAAGACAGTTAGAGCTCGAAGTCGAACCCCAAGTCGTCGGAGTCGGA-3'
Protein context (NP_620305.3, residues 1901-1921): SRERKRKRSS[Ser1911Pro]RDNRKTVRAR